The following is an entry in ClinVar:

NM_006767.4(LZTR1):c.46_55del (p.Leu16fs)

Genes: LZTR1 (leucine zipper like post translational regulator 1; plus strand), LOC130067016 (ATAC-STARR-seq lymphoblastoid silent region 13504; plus strand). Cytogenetic location: 22q11.21.
Variant type: Deletion.
Coding change: c.46_55del on transcript NM_006767.4 (MANE Select); coding-DNA positions 46 to 55, 10 bases deleted (CTGGCAGGCG; older notation c.46_55delCTGGCAGGCG).
Protein change: p.Leu16fs; shifts the reading frame from leucine 16.
Molecular consequence: frameshift variant.
Genome position (GRCh38, 1-based): chr22:20,982,417-20,982,426, CTGGCAGGCG deleted. VCF-style (leftmost placement, unchanged base first): chr22-20982416-CCTGGCAGGCG-C. GRCh37 (hg19) VCF-style: chr22-21336705-CCTGGCAGGCG-C.
Other names: short protein forms L16fs.
Identifiers: ClinVar variation 5006453 (VCV005006453.2).

ClinVar aggregate classification (germline): Likely pathogenic (1 of 4 stars; one submission).

Conditions:
Noonan syndrome 10 (NS10). Identifiers: Orphanet 648, MedGen C4225280, MONDO:0014693, OMIM 616564.
LZTR1-related schwannomatosis. Also called: Schwannomatosis-2, susceptibility to; Schwannomatosis 2. Identifiers: Orphanet 93921, MedGen C3810283, MONDO:0014299, OMIM 615670.
Noonan syndrome 2 (NS2). Identifiers: Orphanet 648, MedGen C1854469, MONDO:0011531, OMIM 605275.

Submission:

Juno Genomics, Hangzhou Juno Genomics, Inc
Classification: Likely pathogenic for LZTR1-related schwannomatosis; Noonan syndrome 10; Noonan syndrome 2. Review status: criteria provided, single submitter. Criteria: ACMG Guidelines, 2015. Collection method: clinical testing. Allele origin: germline.
Comment: Null variant in a gene where loss of function (LOF) is a known mechanism of disease.;Absent from controls (or at extremely low frequency if recessive) in Genome Aggregation Database.